The following is an entry in ClinVar:

NM_144508.5(KNL1):c.5799-9G>A

Gene: KNL1 (kinetochore scaffold 1; plus strand). Cytogenetic location: 15q15.1.
Variant type: single nucleotide variant.
Coding change: c.5799-9G>A on transcript NM_144508.5 (MANE Select); 9 bases into the intron before coding-DNA position 5799, G replaced by A.
Molecular consequence: intron variant.
Genome position (GRCh38, 1-based): chr15:40,644,988, G>A. VCF-style: chr15-40644988-G-A. GRCh37 (hg19) VCF-style: chr15-40937186-G-A.
Other names: c.5877-9G>A (NM_170589.5).
Identifiers: ClinVar variation 732667 (VCV000732667.10), dbSNP rs114041699, ClinGen allele CA7483505.

ClinVar aggregate classification (germline): Benign/Likely benign. Review status: criteria provided, multiple submitters, no conflicts (2 of 4 stars). 3 submissions from 3 submitters: Benign (2); Likely benign (1). Last evaluated 2021-01-26.

Conditions:
Microcephaly 4, primary, autosomal recessive. Identifiers: Orphanet 2512, MedGen C1858516, MONDO:0011437, OMIM 604321.

Allele frequency attached by ClinVar (database versions not stated): gnomAD exomes 0.00034 and 0.00088; ExAC 0.00114; 1000 Genomes Project 0.00300; ESP Exome Variant Server 0.00312; gnomAD 0.00355 and 0.00385; 1000 Genomes Project 30x 0.00375; TOPMed 0.00379.
gnomAD v4.1: 1,046 of 1,591,652 alleles (0.066%); highest among the groups gnomAD compares: African/African-American, 1.3%; 9 homozygotes.

Submissions (3):

GeneDx
Classification: Benign. Last evaluated: 2021-01-26. Review status: criteria provided, single submitter. Criteria: GeneDx Variant Classification Process June 2021. Collection method: clinical testing. Allele origin: germline. Affected: yes.

Labcorp Genetics (formerly Invitae), Labcorp
Classification: Benign. Last evaluated: 2019-12-31. Review status: criteria provided, single submitter. Criteria: Invitae Variant Classification Sherloc (09022015). Collection method: clinical testing. Allele origin: germline.

Illumina Laboratory Services, Illumina
Classification: Likely benign for Microcephaly 4, primary, autosomal recessive. Last evaluated: 2018-01-13. Review status: criteria provided, single submitter. Criteria: ICSL Variant Classification Criteria 13 December 2019. Collection method: clinical testing. Allele origin: germline.
Comment: This variant was observed in the ICSL laboratory as part of a predisposition screen in an ostensibly healthy population. It had not been previously curated by ICSL or reported in the Human Gene Mutation Database (HGMD: prior to June 1st, 2018), and was therefore a candidate for classification through an automated scoring system. Utilizing variant allele frequency, disease prevalence and penetrance estimates, and inheritance mode, an automated score was calculated to assess if this variant is too frequent to cause the disease. Based on the score and internal cut-off values, a variant classified as likely benign is not then subjected to further curation. The score for this variant resulted in a classification of likely benign for this disease.